The following is an entry in ClinVar:

NM_000292.3(PHKA2):c.1144dup (p.Glu382fs)

Gene: PHKA2 (phosphorylase kinase regulatory subunit alpha 2; minus strand). Cytogenetic location: Xp22.13.
Variant type: Duplication.
Coding change: c.1144dup on transcript NM_000292.3 (MANE Select); coding-DNA position 1144, one base duplicated (G; older notation c.1144dupG).
Protein change: p.Glu382fs; shifts the reading frame from glutamic acid 382.
Molecular consequence: frameshift variant.
Genome position (GRCh38, 1-based): chrX:18,931,742, C duplicated on the plus strand (G on the coding strand, the reverse complement: PHKA2 is on the minus strand). VCF-style (leftmost placement, unchanged base first): chrX-18931741-T-TC. GRCh37 (hg19) VCF-style: chrX-18949859-T-TC.
Other names: c.1144dupG (NM_000292.2); c.1144dup (NM_000292.2); short protein forms E382fs.
Identifiers: ClinVar variation 817258 (VCV000817258.4), dbSNP rs1601748177, ClinGen allele CA915950879.
Genomic context (GRCh38, chrX:18,931,741, plus strand): 5'-CACAGATGAGGCACCTTCCCCATAGGAACTCGGTCTACTGTGTGAGGATTCTTGTACTCT[T>TC]CATCTACCTGGAAAGAGAGACAAATCCAAAGTCAGAAAGTCAGAGGATAAAATGGCCATG-3'

ClinVar aggregate classification (germline): Likely pathogenic. Review status: criteria provided, single submitter (1 of 4 stars). 2 submissions from 2 submitters: Likely pathogenic (1). 1 of the submissions does not count toward it. Last evaluated 2024-09-17.

Conditions:
PHKA2-related disorder. Also called: PHKA2-related condition.

Allele frequency attached by ClinVar (database versions not stated): TOPMed 0.00001.

Submissions (2):

GeneDx
Classification: Likely pathogenic. Last evaluated: 2024-09-17. Review status: criteria provided, single submitter. Criteria: GeneDx Variant Classification Process June 2021. Collection method: clinical testing. Allele origin: germline. Affected: yes.
Comment: Frameshift variant predicted to result in protein truncation or nonsense mediated decay in a gene for which loss of function is a known mechanism of disease; Not observed at significant frequency in large population cohorts (gnomAD); Has not been previously published as pathogenic or benign to our knowledge

PreventionGenetics, part of Exact Sciences
Classification: Likely pathogenic for PHKA2-related condition. Last evaluated: 2024-01-30. Review status: no assertion criteria provided. Collection method: clinical testing. Allele origin: germline. Not counted in ClinVar's aggregate classification.
Comment: The PHKA2 c.1144dupG variant is predicted to result in a frameshift and premature protein termination (p.Glu382Glyfs*41). To our knowledge, this variant has not been reported in the literature or in a large population database, indicating this variant is rare. Frameshift variants in PHKA2 are expected to be pathogenic. This variant is interpreted as likely pathogenic.